The following is an entry in ClinVar:

ClinVar aggregate classification (germline): Conflicting classifications of pathogenicity. Review status: criteria provided, conflicting classifications (1 of 4 stars). 6 submissions from 6 submitters: Uncertain significance (2); Likely benign (4). Last evaluated 2026-10-01.

Conditions:
Thrombocytopenia 2 (THC2). Also called: ANKRD26-Related Thrombocytopenia. Identifiers: Orphanet 268322, MedGen C1861185, MONDO:0008555, OMIM 188000.
ANKRD26-related disorder. Also called: ANKRD26-related condition.
Inborn genetic diseases. Identifiers: MedGen C0950123, MeSH D030342.

Allele frequency attached by ClinVar (database versions not stated): ExAC 0.00011; 1000 Genomes Project 30x 0.00016; 1000 Genomes Project 0.00020; gnomAD 0.00028; TOPMed 0.00029; ESP Exome Variant Server 0.00034.
gnomAD v4.1: 85 of 1,607,486 alleles (0.0053%); highest among the groups gnomAD compares: African/African-American, 0.1%; no homozygotes.

Submissions (6):

St. Jude Molecular Pathology, St. Jude Children's Research Hospital
Classification: Uncertain significance for Thrombocytopenia 2. Last evaluated: 2026-10-01. Review status: criteria provided, single submitter. Criteria: St. Jude Assertion Criteria 2020. Collection method: clinical testing. Allele origin: germline.
Comment: The ANKRD26 c.4641T>G p.(Phe1547Leu) missense change has a maximum subpopulation frequency of 0.14% in gnomAD v2.1.1. This variant is not located in the 5Ã¢ € ™UTR. T he in silico tool REVEL predicts a benign effect on protein function, but to our knowledge this prediction has not been confirmed by functional studies. To our knowledge, this variant has not been reported in the literature in individuals with ANKRD26-re lated thrombocytopenia. In summary, the evidence currently available is insufficient to determine the clinical significance of this variant. It has therefore been classified as of uncertain significance (VUS-Low).

Labcorp Genetics (formerly Invitae), Labcorp
Classification: Likely benign. Last evaluated: 2025-12-23. Review status: criteria provided, single submitter. Criteria: Invitae Variant Classification Sherloc (09022015). Collection method: clinical testing. Allele origin: germline.

Women's Health and Genetics/Laboratory Corporation of America, LabCorp
Classification: Likely benign. Last evaluated: 2025-12-09. Review status: criteria provided, single submitter. Criteria: LabCorp Variant Classification Summary - May 2015. Collection method: clinical testing. Allele origin: germline.
Comment: Variant summary: ANKRD26 c.4641T>G (p.Phe1547Leu) results in a non-conservative amino acid change in the encoded protein sequence. Algorithms developed to predict the effect of missense changes on protein structure and function are either unavailable or do not agree on the potential impact of this missense change. The variant allele was found at a frequency of 9.7e-05 in 247652 control chromosomes (gnomAD). To our knowledge, no occurrence of c.4641T>G in individuals affected with ANKRD26-related conditions and no experimental evidence demonstrating its impact on protein function have been reported. ClinVar contains an entry for this variant (Variation ID: 2049230). Based on the evidence outlined above, the variant was classified as likely benign.

PreventionGenetics, part of Exact Sciences
Classification: Likely benign for ANKRD26-related condition. Last evaluated: 2025-08-19. Review status: criteria provided, single submitter. Criteria: ACMG Guidelines, 2015. Collection method: clinical testing. Allele origin: germline.
Comment: This variant is classified as likely benign based on ACMG/AMP sequence variant interpretation guidelines (Richards et al. 2015 PMID: 25741868, with internal and published modifications).

Ambry Genetics
Classification: Uncertain significance for Inborn genetic diseases. Last evaluated: 2024-11-22. Review status: criteria provided, single submitter. Criteria: Ambry Variant Classification Scheme 2023. Collection method: clinical testing. Allele origin: germline.
Comment: The p.F1547L variant (also known as c.4641T>G), located in coding exon 31 of the ANKRD26 gene, results from a T to G substitution at nucleotide position 4641. The phenylalanine at codon 1547 is replaced by leucine, an amino acid with highly similar properties. This amino acid position is conserved. In addition, this alteration is predicted to be tolerated by in silico analysis. Based on the available evidence, the clinical significance of this variant remains unclear.

Blueprint Genetics
Classification: Likely benign. Last evaluated: 2022-07-12. Review status: criteria provided, single submitter. Criteria: ACMG Guidelines, 2015. Collection method: clinical testing. Allele origin: germline.

NM_014915.3(ANKRD26):c.4641T>G (p.Phe1547Leu)

Gene: ANKRD26 (ankyrin repeat domain 26; minus strand). Cytogenetic location: 10p12.1.
Variant type: single nucleotide variant.
Coding change: c.4641T>G on transcript NM_014915.3 (MANE Select); coding-DNA position 4641, T replaced by G.
Protein change: p.Phe1547Leu; replaces phenylalanine 1547 with leucine.
Molecular consequence: missense variant.
Genome position (GRCh38, 1-based): chr10:27,014,577, A>C on the plus strand (T>G on the coding strand, the complement: ANKRD26 is on the minus strand). VCF-style: chr10-27014577-A-C. GRCh37 (hg19) VCF-style: chr10-27303506-A-C.
Other names: c.4638T>G, p.Phe1546Leu (NM_001256053.2); short protein forms F1546L, F1547L.
Identifiers: ClinVar variation 2049230 (VCV002049230.10), dbSNP rs370491617, ClinGen allele CA5447754.